The following is an entry in ClinVar:

ClinVar aggregate classification (germline): Conflicting classifications of pathogenicity. Review status: criteria provided, conflicting classifications (1 of 4 stars). 4 submissions from 4 submitters: Uncertain significance (2); Likely benign (2). Last evaluated 2025-04-19.

Conditions:
Hereditary cancer-predisposing syndrome. Also called: Hereditary neoplastic syndrome; Neoplastic Syndromes, Hereditary; Tumor predisposition; Hereditary Cancer Syndrome. Identifiers: Orphanet 140162, MedGen C0027672, MeSH D009386, MONDO:0015356.
Hereditary breast ovarian cancer syndrome. Also called: Hereditary breast and ovarian cancer syndrome (HBOC); Hereditary breast and ovarian cancer; Hereditary breast and ovarian cancer syndrome; Breast and ovarian cancer; Hereditary breast and/or ovarian cancer syndrome; BRCA1- and BRCA2-Associated Hereditary Breast and Ovarian Cancer. Identifiers: Orphanet 145, MedGen C0677776, MeSH D061325, MONDO:0003582. Disease mechanism: loss of function.

Allele frequency attached by ClinVar (database versions not stated): gnomAD 0.00001; TOPMed 0.00001.
gnomAD v4.1: 2 of 1,595,532 alleles (0.00013%); highest among the groups gnomAD compares: African/African-American, 0.0027%; no homozygotes.

Submissions (4):

Ambry Genetics
Classification: Likely benign for Hereditary cancer-predisposing syndrome. Last evaluated: 2025-04-19. Review status: criteria provided, single submitter. Criteria: Ambry Variant Classification Scheme 2023. Collection method: clinical testing. Allele origin: germline.

Labcorp Genetics (formerly Invitae), Labcorp
Classification: Uncertain significance for Hereditary breast ovarian cancer syndrome. Last evaluated: 2023-11-13. Review status: criteria provided, single submitter. Criteria: Invitae Variant Classification Sherloc (09022015). Collection method: clinical testing. Allele origin: germline.
Comment: This sequence change replaces glycine, which is neutral and non-polar, with serine, which is neutral and polar, at codon 2140 of the BRCA2 protein (p.Gly2140Ser). This variant is not present in population databases (gnomAD no frequency). This variant has not been reported in the literature in individuals affected with BRCA2-related conditions. ClinVar contains an entry for this variant (Variation ID: 246172). Advanced modeling of protein sequence and biophysical properties (such as structural, functional, and spatial information, amino acid conservation, physicochemical variation, residue mobility, and thermodynamic stability) performed at Invitae indicates that this missense variant is not expected to disrupt BRCA2 protein function with a negative predictive value of 95%. In summary, the available evidence is currently insufficient to determine the role of this variant in disease. Therefore, it has been classified as a Variant of Uncertain Significance.

University of Washington Department of Laboratory Medicine, University of Washington
Classification: Likely benign for Hereditary cancer-predisposing syndrome. Last evaluated: 2023-03-23. Review status: criteria provided, single submitter. Criteria: Dines et al. (Genet Med. 2020). Collection method: curation. Allele origin: germline.
Comment: Missense variant in a coldspot region where missense variants are very unlikely to be pathogenic (PMID:31911673).

BRCA2 exon 11 coldspot. Reclassification based on statistical prior probability.

GeneDx
Classification: Uncertain significance. Last evaluated: 2015-11-20. Review status: criteria provided, single submitter. Criteria: GeneDx Variant Classification (06012015). Collection method: clinical testing. Allele origin: germline. Affected: yes.
Comment: This variant is denoted BRCA2 c.6418G>A at the cDNA level, p.Gly2140Ser (G2140S) at the protein level, and results in the change of a Glycine to a Serine (GGT>AGT). Using alternate nomenclature, this variant would be defined as BRCA2 6646G>A. This variant has not, to our knowledge, been published in the literature as pathogenic or benign. BRCA2 Gly2140Ser was not observed in approximately 6,500 individuals of European and African American ancestry in the NHLBI Exome Sequencing Project, suggesting it is not a common benign variant in these populations. Since Glycine and Serine differ in polarity, charge, size or other properties, this is considered a non-conservative amino acid substitution. BRCA2 Gly2140Ser occurs at a position that is not conserved and is not located in a known functional domain. In silico analyses predict that this variant is unlikely to alter protein structure or function. Based on currently available evidence, it is unclear whether BRCA2 Gly2140Ser is a pathogenic or benign variant. We consider it to be a variant of uncertain significance.

NM_000059.4(BRCA2):c.6418G>A (p.Gly2140Ser)

Gene: BRCA2 (BRCA2 DNA repair associated; plus strand). Cytogenetic location: 13q13.1.
Variant type: single nucleotide variant.
Coding change: c.6418G>A on transcript NM_000059.4 (MANE Select); coding-DNA position 6418, G replaced by A.
Protein change: p.Gly2140Ser; replaces glycine 2140 with serine.
Molecular consequence: missense variant.
Genome position (GRCh38, 1-based): chr13:32,340,773, G>A. VCF-style: chr13-32340773-G-A. GRCh37 (hg19) VCF-style: chr13-32914910-G-A.
Other names: short protein forms G2140S.
Identifiers: ClinVar variation 246172 (VCV000246172.12), dbSNP rs879254137, ClinGen allele CA10584449.
Genomic context (GRCh38, chr13:32,340,773, plus strand): 5'-TCAGAAATGGAAAAAACCTGCAGTAAAGAATTTAAATTATCAAATAACTTAAATGTTGAA[G>A]GTGGTTCTTCAGAAAATAATCACTCTATTAAAGTTTCTCCATATCTCTCTCAATTTCAAC-3'
Protein context (NP_000050.3, residues 2130-2150): FKLSNNLNVE[Gly2140Ser]GSSENNHSIK